The following is an entry in ClinVar:

NM_199355.4(ADAMTS18):c.781G>A (p.Ala261Thr)

Gene: ADAMTS18 (ADAM metallopeptidase with thrombospondin type 1 motif 18; minus strand). Cytogenetic location: 16q23.1.
Variant type: single nucleotide variant.
Coding change: c.781G>A on transcript NM_199355.4 (MANE Select); coding-DNA position 781, G replaced by A.
Protein change: p.Ala261Thr; replaces alanine 261 with threonine.
Molecular consequence: missense variant.
Genome position (GRCh38, 1-based): chr16:77,364,379, C>T on the plus strand (G>A on the coding strand, the complement: ADAMTS18 is on the minus strand). VCF-style: chr16-77364379-C-T. GRCh37 (hg19) VCF-style: chr16-77398276-C-T.
Other names: c.265G>A, p.Ala89Thr (NM_001326358.2); short protein forms A261T, A89T.
Identifiers: ClinVar variation 1523505 (VCV001523505.3), dbSNP rs886567592, ClinGen allele CA284437993.

ClinVar aggregate classification (germline): Uncertain significance (1 of 4 stars; one submission).

Allele frequency attached by ClinVar (database versions not stated): gnomAD exomes below 0.00001; TOPMed below 0.00001; gnomAD 0.00001.

Submission:

Labcorp Genetics (formerly Invitae), Labcorp
Classification: Uncertain significance. Last evaluated: 2021-12-22. Review status: criteria provided, single submitter. Criteria: Invitae Variant Classification Sherloc (09022015). Collection method: clinical testing. Allele origin: germline.
Comment: This sequence change replaces alanine, which is neutral and non-polar, with threonine, which is neutral and polar, at codon 261 of the ADAMTS18 protein (p.Ala261Thr). This variant is present in population databases (no rsID available, gnomAD 0.003%). This variant has not been reported in the literature in individuals affected with ADAMTS18-related conditions. Algorithms developed to predict the effect of missense changes on protein structure and function are either unavailable or do not agree on the potential impact of this missense change (SIFT: "Not Available"; PolyPhen-2: "Benign"; Align-GVGD: "Not Available"). In summary, the available evidence is currently insufficient to determine the role of this variant in disease. Therefore, it has been classified as a Variant of Uncertain Significance.